The following is an entry in ClinVar:

NM_144997.7(FLCN):c.943G>T (p.Glu315Ter)

Gene: FLCN (folliculin; minus strand). Cytogenetic location: 17p11.2.
Variant type: single nucleotide variant.
Coding change: c.943G>T on transcript NM_144997.7 (MANE Select); coding-DNA position 943, G replaced by T.
Protein change: p.Glu315Ter; replaces glutamic acid 315 with a stop codon.
Molecular consequence: nonsense.
Genome position (GRCh38, 1-based): chr17:17,219,138, C>A on the plus strand (G>T on the coding strand, the complement: FLCN is on the minus strand). VCF-style: chr17-17219138-C-A. GRCh37 (hg19) VCF-style: chr17-17122452-C-A.
Other names: c.943G>T (LRG_325t1); c.997G>T, p.Glu333Ter (NM_001353229.2); c.943G>T, p.Glu315Ter (NM_001353230.2, NM_001353231.2); short protein forms E315*, E333*.
Identifiers: ClinVar variation 141706 (VCV000141706.7), dbSNP rs587781952, ClinGen allele CA166183.
Genomic context (GRCh38, chr17:17,219,138, plus strand): 5'-AGCCTGAGAGAGAGGAGGACTCTGCCGGGCCCTGGGTCAGCTCCCGCCCTTCTGTACTCT[C>A]TGGCAACACAGGGGCTTTCTCCTCCTCTTCAGCCTCAGAGTTGTCCCAGCTTTCTGATTC-3'

ClinVar aggregate classification (germline): Pathogenic. Review status: criteria provided, multiple submitters, no conflicts (2 of 4 stars). 4 submissions from 4 submitters: Pathogenic (4). Last evaluated 2024-08-24.

Conditions:
Hereditary cancer-predisposing syndrome. Also called: Neoplastic Syndromes, Hereditary; Hereditary Cancer Syndrome; Hereditary neoplastic syndrome; Tumor predisposition. Identifiers: Orphanet 140162, MedGen C0027672, MeSH D009386, MONDO:0015356.
Birt-Hogg-Dube syndrome. Also called: Birt Hogg Dubé syndrome. Identifiers: Orphanet 122, MedGen C0346010, MONDO:0800444.

Submissions (4):

Labcorp Genetics (formerly Invitae), Labcorp
Classification: Pathogenic for Birt-Hogg-Dube syndrome. Last evaluated: 2024-08-24. Review status: criteria provided, single submitter. Criteria: Invitae Variant Classification Sherloc (09022015). Collection method: clinical testing. Allele origin: germline.
Comment: This sequence change creates a premature translational stop signal (p.Glu315*) in the FLCN gene. It is expected to result in an absent or disrupted protein product. Loss-of-function variants in FLCN are known to be pathogenic (PMID: 15852235). This variant is not present in population databases (gnomAD no frequency). This premature translational stop signal has been observed in individual(s) with Birt-Hogg-Dubé syndrome (PMID: 15805188). ClinVar contains an entry for this variant (Variation ID: 141706). For these reasons, this variant has been classified as Pathogenic.

Clinical Genetics Laboratory, Skane University Hospital Lund
Classification: Pathogenic. Last evaluated: 2023-05-15. Review status: criteria provided, single submitter. Criteria: ACMG Guidelines, 2015. Collection method: clinical testing. Allele origin: germline. Affected: yes.

Clinical Genetics and Genomics, Karolinska University Hospital
Classification: Pathogenic. Last evaluated: 2014-12-18. Review status: criteria provided, single submitter. Criteria: ACMG Guidelines, 2015. Collection method: clinical testing. Allele origin: germline. Affected: yes. Observed: 4 variant alleles.

Ambry Genetics
Classification: Pathogenic for Hereditary cancer-predisposing syndrome. Last evaluated: 2014-02-14. Review status: criteria provided, single submitter. Criteria: Ambry Autosomal Dominant and X-Linked criteria (10/2015). Collection method: clinical testing. Allele origin: germline. Observed: 1 variant allele.
Comment: The p.E315* pathogenic mutation (also known as c.943G>T) located in coding exon 6 of the FLCN gene, results from a G to T substitution at nucleotide position 943. This changes the amino acid from a glutamic acid to a stop codon within coding exon 6. This alteration was previously described in an isolated familial pneumothorax cohort (Graham RB et al. Am. J. Respir. Crit. Care Med. 2005; 172:39-44). In addition to the clinical data presented in the literature, sincepremature stop codons are typically deleterious in nature, this alteration is interpreted as a disease-causing mutation (ACMG Recommendations for Standards for Interpretation and Reporting of Sequence Variations. Revision 2007. Genet Med. 2008;10:294).

Literature cited by the submitters: PubMed 15852235 (cited by Labcorp Genetics (formerly Invitae), Labcorp); PubMed 15805188 (cited by Labcorp Genetics (formerly Invitae), Labcorp and Ambry Genetics).